The following is an entry in ClinVar:

NM_004946.3(DOCK2):c.1429C>T (p.Arg477Cys)

Gene: DOCK2 (dedicator of cytokinesis 2; plus strand). Cytogenetic location: 5q35.1.
Variant type: single nucleotide variant.
Coding change: c.1429C>T on transcript NM_004946.3 (MANE Select); coding-DNA position 1429, C replaced by T.
Protein change: p.Arg477Cys; replaces arginine 477 with cysteine.
Molecular consequence: missense variant. On other transcripts: non-coding transcript variant (1).
Genome position (GRCh38, 1-based): chr5:169,708,214, C>T. VCF-style: chr5-169708214-C-T. GRCh37 (hg19) VCF-style: chr5-169135218-C-T.
Other names: short protein forms R477C.
Identifiers: ClinVar variation 834570 (VCV000834570.8), dbSNP rs563258542, ClinGen allele CA3553466.

ClinVar aggregate classification (germline): Uncertain significance. Review status: criteria provided, multiple submitters, no conflicts (2 of 4 stars). 2 submissions from 2 submitters: Uncertain significance (2). Last evaluated 2026-01-26.

Conditions:
Inborn genetic diseases. Identifiers: MedGen C0950123, MeSH D030342.
DOCK2 deficiency. Also called: Immunodeficiency 40. Identifiers: Orphanet 447737, MedGen C4225328, MONDO:0014637, OMIM 616433.

Allele frequency attached by ClinVar (database versions not stated): gnomAD 0.00001; TOPMed 0.00001; ExAC 0.00002.
gnomAD v4.1: 58 of 1,613,840 alleles (0.0036%); highest among the groups gnomAD compares: Non-Finnish European, 0.0046%; 1 homozygote.

Submissions (2):

Labcorp Genetics (formerly Invitae), Labcorp
Classification: Uncertain significance for DOCK2 deficiency. Last evaluated: 2026-01-26. Review status: criteria provided, single submitter. Criteria: Invitae Variant Classification Sherloc (09022015). Collection method: clinical testing. Allele origin: germline.
Comment: This sequence change replaces arginine, which is basic and polar, with cysteine, which is neutral and slightly polar, at codon 477 of the DOCK2 protein (p.Arg477Cys). This variant is present in population databases (rs563258542, gnomAD 0.005%). This variant has not been reported in the literature in individuals affected with DOCK2-related conditions. ClinVar contains an entry for this variant (Variation ID: 834570). An algorithm developed to predict the effect of missense changes on protein structure and function (PolyPhen-2) suggests that this variant is likely to be disruptive. In summary, the available evidence is currently insufficient to determine the role of this variant in disease. Therefore, it has been classified as a Variant of Uncertain Significance.

Ambry Genetics
Classification: Uncertain significance for Inborn genetic diseases. Last evaluated: 2025-04-10. Review status: criteria provided, single submitter. Criteria: Ambry Variant Classification Scheme 2023. Collection method: clinical testing. Allele origin: germline.